The following is an entry in ClinVar:

ClinVar aggregate classification (germline): Pathogenic (1 of 4 stars; one submission).

Conditions:
Autosomal recessive nonsyndromic hearing loss 4 (DFNB4). Also called: Deafness, autosomal recessive 4; FOXI1-Related Pendred Syndrome; KCNJ10-Related Pendred Syndrome; DEAFNESS, AUTOSOMAL RECESSIVE 4, WITH ENLARGED VESTIBULAR AQUEDUCT, DIGENIC; NEUROSENSORY NONSYNDROMIC RECESSIVE DEAFNESS 4; Nonsyndromic enlarged vestibular aqueduct (NSEVA). Identifiers: Orphanet 90636, MedGen C3538946, MONDO:0010933, OMIM 600791.

Submission:

Institute of Rare Diseases, West China Hospital, Sichuan University
Classification: Pathogenic for Autosomal recessive nonsyndromic hearing loss 4. Last evaluated: 2025-01-09. Review status: criteria provided, single submitter. Criteria: ClinGen HL ACMG Specifications v1. Collection method: research. Allele origin: germline. Affected: yes.
Comment: PVS1;PM3;PM2_Supporting

NM_000441.2(SLC26A4):c.1097C>G (p.Ser366Ter)

Gene: SLC26A4 (solute carrier family 26 member 4; plus strand). Cytogenetic location: 7q22.3.
Variant type: single nucleotide variant.
Coding change: c.1097C>G on transcript NM_000441.2 (MANE Select); coding-DNA position 1097, C replaced by G.
Protein change: p.Ser366Ter; replaces serine 366 with a stop codon.
Molecular consequence: nonsense.
Genome position (GRCh38, 1-based): chr7:107,689,148, C>G. VCF-style: chr7-107689148-C-G. GRCh37 (hg19) VCF-style: chr7-107329593-C-G.
Other names: short protein forms S366*.
Identifiers: ClinVar variation 3601727 (VCV003601727.1).